The following is an entry in ClinVar:

NM_144670.6(A2ML1):c.357G>C (p.Gly119=)

Genes: A2ML1 (alpha-2-macroglobulin like 1; plus strand), A2ML1-AS1 (A2ML1 antisense RNA 1; minus strand). Cytogenetic location: 12p13.31.
Variant type: single nucleotide variant.
Coding change: c.357G>C on transcript NM_144670.6 (MANE Select); coding-DNA position 357, G replaced by C.
Protein change: p.Gly119=; no amino-acid change (glycine 119 retained).
Molecular consequence: synonymous variant.
Genome position (GRCh38, 1-based): chr12:8,823,830, G>C. VCF-style: chr12-8823830-G-C. GRCh37 (hg19) VCF-style: chr12-8976426-G-C.
Identifiers: ClinVar variation 698437 (VCV000698437.38), dbSNP rs200671971, ClinGen allele CA6435243.

ClinVar aggregate classification (germline): Benign/Likely benign. Review status: criteria provided, multiple submitters, no conflicts (2 of 4 stars). 4 submissions from 4 submitters: Benign (2); Likely benign (2). Last evaluated 2026-01-15.

Allele frequency attached by ClinVar (database versions not stated): TOPMed 0.00025; ESP Exome Variant Server 0.00033; gnomAD 0.00036 and 0.00038; ExAC 0.00043; 1000 Genomes Project 30x 0.00062; 1000 Genomes Project 0.00080.
gnomAD v4.1: 653 of 1,614,088 alleles (0.04%); highest among the groups gnomAD compares: Middle Eastern, 0.25%; no homozygotes.

Submissions (4):

Labcorp Genetics (formerly Invitae), Labcorp
Classification: Benign. Last evaluated: 2026-01-15. Review status: criteria provided, single submitter. Criteria: Invitae Variant Classification Sherloc (09022015). Collection method: clinical testing. Allele origin: germline.

CeGaT Center for Human Genetics Tuebingen
Classification: Likely benign. Last evaluated: 2022-11-01. Review status: criteria provided, single submitter. Criteria: CeGaT Center For Human Genetics Tuebingen Variant Classification Criteria Version 2. Collection method: clinical testing. Allele origin: germline. Affected: yes. Observed: 1 variant allele.
Comment: A2ML1: BP4, BP7

Women's Health and Genetics/Laboratory Corporation of America, LabCorp
Classification: Benign. Last evaluated: 2019-09-06. Review status: criteria provided, single submitter. Criteria: LabCorp Variant Classification Summary - May 2015. Collection method: clinical testing. Allele origin: germline.

Ambry Genetics
Classification: Likely benign. Last evaluated: 2019-05-19. Review status: criteria provided, single submitter. Criteria: Ambry Variant Classification Scheme 2023. Collection method: clinical testing. Allele origin: germline.